The following is an entry in ClinVar:

ClinVar aggregate classification (germline): Uncertain significance (1 of 4 stars; one submission).

Conditions:
MOGS-congenital disorder of glycosylation. Also called: CDG IIb; MOGS-CDG; CDG 2B; GLUCOSIDASE I DEFICIENCY. Identifiers: Orphanet 79330, MedGen C1853736, MONDO:0011629, OMIM 606056.

Allele frequency attached by ClinVar (database versions not stated): gnomAD exomes below 0.00001; TOPMed 0.00001.
gnomAD v4.1: 1 of 1,608,762 alleles (0.000062%); highest among the groups gnomAD compares: East Asian, 0.0022%; no homozygotes.

Submission:

Labcorp Genetics (formerly Invitae), Labcorp
Classification: Uncertain significance for MOGS-congenital disorder of glycosylation. Last evaluated: 2022-06-18. Review status: criteria provided, single submitter. Criteria: Invitae Variant Classification Sherloc (09022015). Collection method: clinical testing. Allele origin: germline.
Comment: Algorithms developed to predict the effect of missense changes on protein structure and function are either unavailable or do not agree on the potential impact of this missense change (SIFT: "Tolerated"; PolyPhen-2: "Possibly Damaging"; Align-GVGD: "Class C0"). In summary, the available evidence is currently insufficient to determine the role of this variant in disease. Therefore, it has been classified as a Variant of Uncertain Significance. This sequence change replaces proline, which is neutral and non-polar, with leucine, which is neutral and non-polar, at codon 433 of the MOGS protein (p.Pro433Leu). This variant is present in population databases (no rsID available, gnomAD 0.006%). This variant has not been reported in the literature in individuals affected with MOGS-related conditions.

NM_006302.3(MOGS):c.1298C>T (p.Pro433Leu)

Gene: MOGS (mannosyl-oligosaccharide glucosidase; minus strand). Cytogenetic location: 2p13.1.
Variant type: single nucleotide variant.
Coding change: c.1298C>T on transcript NM_006302.3 (MANE Select); coding-DNA position 1298, C replaced by T.
Protein change: p.Pro433Leu; replaces proline 433 with leucine.
Molecular consequence: missense variant.
Genome position (GRCh38, 1-based): chr2:74,462,491, G>A on the plus strand (C>T on the coding strand, the complement: MOGS is on the minus strand). VCF-style: chr2-74462491-G-A. GRCh37 (hg19) VCF-style: chr2-74689618-G-A.
Other names: c.980C>T, p.Pro327Leu (NM_001146158.2); short protein forms P327L, P433L.
Identifiers: ClinVar variation 2166894 (VCV002166894.4), dbSNP rs1205140138, ClinGen allele CA347373501.
Genomic context (GRCh38, chr2:74,462,491, plus strand): 5'-CCTTCATCCCAAAGGAAGCCTCGTGGGAAGAATGACCGGGAGGGCACTGCTGTAAAAAGA[G>A]GTACGGGTGGAAAGAGGGCTGGGTCCACCTTCTGCTCAGACCCTTCCACCCCGATGTCTG-3'
Protein context (NP_006293.2, residues 423-443): KVDPALFPPV[Pro433Leu]LFTAVPSRSF